The following is an entry in ClinVar:

NM_002024.6(FMR1):c.375T>C (p.Thr125=)

Gene: FMR1 (fragile X messenger ribonucleoprotein 1; plus strand). Cytogenetic location: Xq27.3.
Variant type: single nucleotide variant.
Coding change: c.375T>C on transcript NM_002024.6 (MANE Select); coding-DNA position 375, T replaced by C.
Protein change: p.Thr125=; no amino-acid change (threonine 125 retained).
Molecular consequence: synonymous variant. On other transcripts: non-coding transcript variant (2).
Genome position (GRCh38, 1-based): chrX:147,928,763, T>C. VCF-style: chrX-147928763-T-C. GRCh37 (hg19) VCF-style: chrX-147010281-T-C.
Other names: p.Thr125=; c.375T>C, p.Thr125= (NM_001185075.2, NM_001185076.2, NM_001185081.2 and 1 more transcripts).
Identifiers: ClinVar variation 286418 (VCV000286418.48), dbSNP rs143611778, ClinGen allele CA10536145.

ClinVar aggregate classification (germline): Benign/Likely benign. Review status: criteria provided, multiple submitters, no conflicts (2 of 4 stars). 5 submissions from 5 submitters: Benign (1); Likely benign (4). Last evaluated 2025-05-22.

Conditions:
Inborn genetic diseases. Identifiers: MedGen C0950123, MeSH D030342.

Allele frequency attached by ClinVar (database versions not stated): 1000 Genomes Project 30x 0.00042; 1000 Genomes Project 0.00053; gnomAD 0.00053 and 0.00055; ESP Exome Variant Server 0.00057; gnomAD exomes 0.00059 and 0.00091; ExAC 0.00065; TOPMed 0.00075.
gnomAD v4.1: 1,053 of 1,209,368 alleles (0.087%); highest among the groups gnomAD compares: Non-Finnish European, 0.1%; no homozygotes.

Submissions (5):

Mayo Clinic Laboratories, Mayo Clinic
Classification: Benign. Last evaluated: 2025-05-22. Review status: criteria provided, single submitter. Criteria: ACMG Guidelines, 2015. Collection method: clinical testing. Allele origin: germline. Observed: 2 variant alleles.
Comment: BS1, BS2, BP4, BP7

CeGaT Center for Human Genetics Tuebingen
Classification: Likely benign. Last evaluated: 2021-08-01. Review status: criteria provided, single submitter. Criteria: CeGaT Center For Human Genetics Tuebingen Variant Classification Criteria Version 2. Collection method: clinical testing. Allele origin: germline. Affected: yes. Observed: 1 variant allele.

Ambry Genetics
Classification: Likely benign for Inborn genetic diseases. Last evaluated: 2017-06-14. Review status: criteria provided, single submitter. Criteria: Ambry Variant Classification Scheme 2023. Collection method: clinical testing. Allele origin: germline.

Genetic Services Laboratory, University of Chicago
Classification: Likely benign. Last evaluated: 2016-08-05. Review status: criteria provided, single submitter. Criteria: ACMG Guidelines, 2015. Collection method: clinical testing. Allele origin: germline. Affected: no.

Eurofins Ntd Llc (ga)
Classification: Likely benign. Last evaluated: 2016-04-13. Review status: criteria provided, single submitter. Criteria: EGL Classification Definitions 2015. Collection method: clinical testing. Allele origin: germline. Observed: 1 variant allele, 1 hemizygote.